The following is an entry in ClinVar:

ClinVar aggregate classification (germline): Uncertain significance. Review status: criteria provided, multiple submitters, no conflicts (2 of 4 stars). 2 submissions from 2 submitters: Uncertain significance (2). Last evaluated 2024-06-02.

Conditions:
Inborn genetic diseases. Identifiers: MedGen C0950123, MeSH D030342.

Allele frequency attached by ClinVar (database versions not stated): gnomAD 0.00001; TOPMed 0.00002.

Submissions (2):

Labcorp Genetics (formerly Invitae), Labcorp
Classification: Uncertain significance. Last evaluated: 2024-06-02. Review status: criteria provided, single submitter. Criteria: Invitae Variant Classification Sherloc (09022015). Collection method: clinical testing. Allele origin: germline.
Comment: This sequence change replaces glutamic acid, which is acidic and polar, with lysine, which is basic and polar, at codon 482 of the NEFH protein (p.Glu482Lys). This variant is present in population databases (no rsID available, gnomAD 0.01%). This variant has not been reported in the literature in individuals affected with NEFH-related conditions. ClinVar contains an entry for this variant (Variation ID: 2338871). Advanced modeling of protein sequence and biophysical properties (such as structural, functional, and spatial information, amino acid conservation, physicochemical variation, residue mobility, and thermodynamic stability) performed at Invitae indicates that this missense variant is not expected to disrupt NEFH protein function with a negative predictive value of 95%. In summary, the available evidence is currently insufficient to determine the role of this variant in disease. Therefore, it has been classified as a Variant of Uncertain Significance.

Ambry Genetics
Classification: Uncertain significance for Inborn genetic diseases. Last evaluated: 2022-12-21. Review status: criteria provided, single submitter. Criteria: Ambry Variant Classification Scheme 2023. Collection method: clinical testing. Allele origin: germline.

NM_021076.4(NEFH):c.1444G>A (p.Glu482Lys)

Gene: NEFH (neurofilament heavy chain; plus strand). Cytogenetic location: 22q12.2.
Variant type: single nucleotide variant.
Coding change: c.1444G>A on transcript NM_021076.4 (MANE Select); coding-DNA position 1444, G replaced by A.
Protein change: p.Glu482Lys; replaces glutamic acid 482 with lysine.
Molecular consequence: missense variant.
Genome position (GRCh38, 1-based): chr22:29,489,084, G>A. VCF-style: chr22-29489084-G-A. GRCh37 (hg19) VCF-style: chr22-29885073-G-A.
Other names: short protein forms E482K.
Identifiers: ClinVar variation 2338871 (VCV002338871.4), dbSNP rs1328645132, ClinGen allele CA411130089.